The following is an entry in ClinVar:

ClinVar aggregate classification (germline): Uncertain significance (1 of 4 stars; one submission).

Conditions:
Familial cancer of breast. Also called: BREAST CANCER, FAMILIAL; Hereditary breast cancer; hereditary breast carcinoma. Identifiers: Orphanet 227535, MedGen C0346153, MONDO:0016419, OMIM 114480. Disease mechanism: loss of function.

Submission:

Labcorp Genetics (formerly Invitae), Labcorp
Classification: Uncertain significance for Familial cancer of breast. Last evaluated: 2024-09-11. Review status: criteria provided, single submitter. Criteria: Invitae Variant Classification Sherloc (09022015). Collection method: clinical testing. Allele origin: germline.
Comment: This sequence change replaces tryptophan, which is neutral and slightly polar, with cysteine, which is neutral and slightly polar, at codon 912 of the PALB2 protein (p.Trp912Cys). This variant is not present in population databases (gnomAD no frequency). This variant has not been reported in the literature in individuals affected with PALB2-related conditions. ClinVar contains an entry for this variant (Variation ID: 530047). Invitae Evidence Modeling of protein sequence and biophysical properties (such as structural, functional, and spatial information, amino acid conservation, physicochemical variation, residue mobility, and thermodynamic stability) indicates that this missense variant is expected to disrupt PALB2 protein function with a positive predictive value of 80%. In summary, the available evidence is currently insufficient to determine the role of this variant in disease. Therefore, it has been classified as a Variant of Uncertain Significance.

NM_024675.4(PALB2):c.2736G>C (p.Trp912Cys)

Gene: PALB2 (partner and localizer of BRCA2; minus strand). Cytogenetic location: 16p12.2.
Variant type: single nucleotide variant.
Coding change: c.2736G>C on transcript NM_024675.4 (MANE Select); coding-DNA position 2736, G replaced by C.
Protein change: p.Trp912Cys; replaces tryptophan 912 with cysteine.
Molecular consequence: missense variant.
Genome position (GRCh38, 1-based): chr16:23,626,248, C>G on the plus strand (G>C on the coding strand, the complement: PALB2 is on the minus strand). VCF-style: chr16-23626248-C-G. GRCh37 (hg19) VCF-style: chr16-23637569-C-G.
Other names: short protein forms W912C.
Identifiers: ClinVar variation 530047 (VCV000530047.9), dbSNP rs1555459925, ClinGen allele CA395121840.